The following is an entry in ClinVar:

ClinVar aggregate classification (germline): Benign. Review status: criteria provided, multiple submitters, no conflicts (2 of 4 stars). 4 submissions from 4 submitters: Benign (3). 1 of the submissions does not count toward it. Last evaluated 2026-02-03.

Conditions:
Spinocerebellar ataxia 45. Identifiers: Orphanet 589527, MedGen C4540400, MONDO:0033480, OMIM 617769.
FAT2-related disorder. Also called: FAT2-related condition.

Allele frequency attached by ClinVar (database versions not stated): ESP Exome Variant Server 0.69606; gnomAD 0.71549 and 0.72257; TOPMed 0.72511; gnomAD exomes 0.73651 and 0.77010; 1000 Genomes Project 30x 0.77420; 1000 Genomes Project 0.77955; ExAC 0.76570.
gnomAD v4.1: 1,187,493 of 1,614,006 alleles (74%); highest among the groups gnomAD compares: East Asian, 95%; 439,632 homozygotes.

Submissions (4):

Labcorp Genetics (formerly Invitae), Labcorp
Classification: Benign. Last evaluated: 2026-02-03. Review status: criteria provided, single submitter. Criteria: Invitae Variant Classification Sherloc (09022015). Collection method: clinical testing. Allele origin: germline.

Genome-Nilou Lab
Classification: Benign for Spinocerebellar ataxia 45. Last evaluated: 2021-08-10. Review status: criteria provided, single submitter. Criteria: ACMG Guidelines, 2015. Collection method: clinical testing. Allele origin: germline. Affected: no.

GeneDx
Classification: Benign. Last evaluated: 2021-05-04. Review status: criteria provided, single submitter. Criteria: GeneDx Variant Classification Process June 2021. Collection method: clinical testing. Allele origin: germline. Affected: yes.

PreventionGenetics, part of Exact Sciences
Classification: Benign for FAT2-related condition. Last evaluated: 2019-07-08. Review status: no assertion criteria provided. Collection method: clinical testing. Allele origin: germline. Not counted in ClinVar's aggregate classification.
Comment: This variant is classified as benign based on ACMG/AMP sequence variant interpretation guidelines (Richards et al. 2015 PMID: 25741868, with internal and published modifications).

NM_001447.3(FAT2):c.11043T>C (p.Asp3681=)

Genes: SLC36A1 (solute carrier family 36 member 1; plus strand), FAT2 (FAT atypical cadherin 2; minus strand). Cytogenetic location: 5q33.1.
Variant type: single nucleotide variant.
Coding change: c.11043T>C on transcript NM_001447.3 (MANE Select); coding-DNA position 11043, T replaced by C.
Protein change: p.Asp3681=; no amino-acid change (aspartic acid 3681 retained).
Molecular consequence: synonymous variant.
Genome position (GRCh38, 1-based): chr5:151,521,550, A>G on the plus strand (T>C on the coding strand, the complement: FAT2 is on the minus strand). VCF-style: chr5-151521550-A-G. GRCh37 (hg19) VCF-style: chr5-150901111-A-G.
Identifiers: ClinVar variation 1226257 (VCV001226257.11), dbSNP rs3822699, ClinGen allele CA3520104.
Genomic context (GRCh38, chr5:151,521,550, plus strand): 5'-GGATGCTAGCTCCTGAAACTCGTAGAAGGTTCCAGAATGCCCCTCAAAGACCAGGAGCAC[A>G]TCCACACCAGCCACGGCCTCTGCAGGCTGGAGGCTGGCCAAGTGAATGTTAGCCCGTTTG-3'
Protein context (NP_001438.1, residues 3671-3691): LQPAEAVAGV[Asp3681=]VLLVFEGHSG